The following is an entry in ClinVar:

NM_001105206.3(LAMA4):c.1818-231C>G

Gene: LAMA4 (laminin subunit alpha 4; minus strand). Cytogenetic location: 6q21.
Variant type: single nucleotide variant.
Coding change: c.1818-231C>G on transcript NM_001105206.3 (MANE Select); 231 bases into the intron before coding-DNA position 1818, C replaced by G.
Molecular consequence: intron variant.
Genome position (GRCh38, 1-based): chr6:112,155,937, G>C on the plus strand (C>G on the coding strand, the complement: LAMA4 is on the minus strand). VCF-style: chr6-112155937-G-C. GRCh37 (hg19) VCF-style: chr6-112477139-G-C.
Other names: c.1797-231C>G (NM_002290.5, NM_001105207.3).
Identifiers: ClinVar variation 678500 (VCV000678500.1), dbSNP rs6568719, ClinGen allele CA12246454.

ClinVar aggregate classification (germline): Benign (1 of 4 stars; one submission).

Allele frequency attached by ClinVar (database versions not stated): 1000 Genomes Project 0.25998; 1000 Genomes Project 30x 0.26327; gnomAD 0.26959 and 0.27268; TOPMed 0.27961.
gnomAD v4.1: 41,086 of 152,122 alleles (27%); highest among the groups gnomAD compares: East Asian, 34%; 5,629 homozygotes.

Submission:

GeneDx
Classification: Benign. Last evaluated: 2018-06-15. Review status: criteria provided, single submitter. Criteria: GeneDx Variant Classification (06012015). Collection method: clinical testing. Allele origin: germline. Affected: yes.
Comment: This variant is considered likely benign or benign based on one or more of the following criteria: it is a conservative change, it occurs at a poorly conserved position in the protein, it is predicted to be benign by multiple in silico algorithms, and/or has population frequency not consistent with disease.